The following is an entry in ClinVar:

ClinVar aggregate classification (germline): Likely benign (1 of 4 stars; one submission).

Allele frequency attached by ClinVar (database versions not stated): TOPMed below 0.00001; gnomAD 0.00001; ExAC 0.00002.
gnomAD v4.1: 8 of 1,595,762 alleles (0.0005%); highest among the groups gnomAD compares: South Asian, 0.0033%; no homozygotes.

Submission:

CeGaT Center for Human Genetics Tuebingen
Classification: Likely benign. Last evaluated: 2023-05-01. Review status: criteria provided, single submitter. Criteria: CeGaT Center For Human Genetics Tuebingen Variant Classification Criteria Version 2. Collection method: clinical testing. Allele origin: germline. Affected: yes. Observed: 1 variant allele.
Comment: ITGA8: BP4, BP7

NM_003638.3(ITGA8):c.345C>T (p.Asn115=)

Gene: ITGA8 (integrin subunit alpha 8; minus strand). Cytogenetic location: 10p13.
Variant type: single nucleotide variant.
Coding change: c.345C>T on transcript NM_003638.3 (MANE Select); coding-DNA position 345, C replaced by T.
Protein change: p.Asn115=; no amino-acid change (asparagine 115 retained).
Molecular consequence: synonymous variant.
Genome position (GRCh38, 1-based): chr10:15,688,037, G>A on the plus strand (C>T on the coding strand, the complement: ITGA8 is on the minus strand). VCF-style: chr10-15688037-G-A. GRCh37 (hg19) VCF-style: chr10-15730036-G-A.
Other names: c.345C>T, p.Asn115= (NM_001291494.2).
Identifiers: ClinVar variation 2640325 (VCV002640325.24), dbSNP rs772059681, ClinGen allele CA5420712.